The following is an entry in ClinVar:

NM_005148.4(UNC119):c.362T>C (p.Leu121Pro)

Gene: UNC119 (unc-119 lipid binding chaperone; minus strand). Cytogenetic location: 17q11.2.
Variant type: single nucleotide variant.
Coding change: c.362T>C on transcript NM_005148.4 (MANE Select); coding-DNA position 362, T replaced by C.
Protein change: p.Leu121Pro; replaces leucine 121 with proline.
Molecular consequence: missense variant.
Genome position (GRCh38, 1-based): chr17:28,548,074, A>G on the plus strand (T>C on the coding strand, the complement: UNC119 is on the minus strand). VCF-style: chr17-28548074-A-G. GRCh37 (hg19) VCF-style: chr17-26875092-A-G.
Other names: c.77T>C, p.Leu26Pro (NM_001330166.2); c.362T>C, p.Leu121Pro (NM_054035.2); short protein forms L121P, L26P.
Identifiers: ClinVar variation 964270 (VCV000964270.5), dbSNP rs1436225955, ClinGen allele CA398331668.

ClinVar aggregate classification (germline): Uncertain significance (1 of 4 stars; one submission).

Submission:

Labcorp Genetics (formerly Invitae), Labcorp
Classification: Uncertain significance. Last evaluated: 2023-05-21. Review status: criteria provided, single submitter. Criteria: Invitae Variant Classification Sherloc (09022015). Collection method: clinical testing. Allele origin: germline.
Comment: In summary, the available evidence is currently insufficient to determine the role of this variant in disease. Therefore, it has been classified as a Variant of Uncertain Significance. An algorithm developed to predict the effect of missense changes on protein structure and function (PolyPhen-2) suggests that this variant is likely to be disruptive. ClinVar contains an entry for this variant (Variation ID: 964270). This variant has not been reported in the literature in individuals affected with UNC119-related conditions. This variant is not present in population databases (gnomAD no frequency). This sequence change replaces leucine, which is neutral and non-polar, with proline, which is neutral and non-polar, at codon 121 of the UNC119 protein (p.Leu121Pro).